The following is an entry in ClinVar:

ClinVar aggregate classification (germline): Uncertain significance (1 of 4 stars; one submission).

Conditions:
Familial focal epilepsy with variable foci (FPEVF). Identifiers: Orphanet 98820, MedGen C1858477, MONDO:0020310.

gnomAD v4.1: 1 of 1,614,092 alleles (0.000062%); highest among the groups gnomAD compares: Non-Finnish European, 0.000085%; no homozygotes.

Submission:

Labcorp Genetics (formerly Invitae), Labcorp
Classification: Uncertain significance for Familial focal epilepsy with variable foci. Last evaluated: 2024-10-07. Review status: criteria provided, single submitter. Criteria: Invitae Variant Classification Sherloc (09022015). Collection method: clinical testing. Allele origin: germline.
Comment: This sequence change replaces arginine, which is basic and polar, with leucine, which is neutral and non-polar, at codon 78 of the DEPDC5 protein (p.Arg78Leu). This variant is not present in population databases (gnomAD no frequency). This variant has not been reported in the literature in individuals affected with DEPDC5-related conditions. Experimental studies and prediction algorithms are not available or were not evaluated, and the functional significance of this variant is currently unknown. In summary, the available evidence is currently insufficient to determine the role of this variant in disease. Therefore, it has been classified as a Variant of Uncertain Significance.

NM_001242896.3(DEPDC5):c.233G>T (p.Arg78Leu)

Gene: DEPDC5 (DEP domain containing 5, GATOR1 subcomplex subunit; plus strand). Cytogenetic location: 22q12.2.
Variant type: single nucleotide variant.
Coding change: c.233G>T on transcript NM_001242896.3 (MANE Select); coding-DNA position 233, G replaced by T.
Protein change: p.Arg78Leu; replaces arginine 78 with leucine.
Molecular consequence: missense variant. On other transcripts: non-coding transcript variant (5).
Genome position (GRCh38, 1-based): chr22:31,765,014, G>T. VCF-style: chr22-31765014-G-T. GRCh37 (hg19) VCF-style: chr22-32161000-G-T.
Other names: c.233G>T, p.Arg78Leu (NM_001007188.4, NM_001136029.4, NM_001242897.2 and 9 more transcripts); short protein forms R78L.
Identifiers: ClinVar variation 3722268 (VCV003722268.2).